The following is an entry in ClinVar:

NM_016239.4(MYO15A):c.6638G>A (p.Trp2213Ter)

Gene: MYO15A (myosin XVA; plus strand). Cytogenetic location: 17p11.2.
Variant type: single nucleotide variant.
Coding change: c.6638G>A on transcript NM_016239.4 (MANE Select); coding-DNA position 6638, G replaced by A.
Protein change: p.Trp2213Ter; replaces tryptophan 2213 with a stop codon.
Molecular consequence: nonsense.
Genome position (GRCh38, 1-based): chr17:18,148,157, G>A. VCF-style: chr17-18148157-G-A. GRCh37 (hg19) VCF-style: chr17-18051471-G-A.
Other names: short protein forms W2213*.
Identifiers: ClinVar variation 599164 (VCV000599164.22), dbSNP rs1567649945, ClinGen allele CA398610724.

ClinVar aggregate classification (germline): Pathogenic/Likely pathogenic. Review status: criteria provided, multiple submitters, no conflicts (2 of 4 stars). 6 submissions from 6 submitters: Pathogenic (3); Likely pathogenic (1). 2 of the submissions do not count toward it. Last evaluated 2025-09-03.

Conditions:
Autosomal recessive nonsyndromic hearing loss 3. Also called: NEUROSENSORY NONSYNDROMIC RECESSIVE DEAFNESS 3. Identifiers: Orphanet 90636, MedGen C1838263, MONDO:0010860, OMIM 600316.
MYO15A-related disorder. Also called: MYO15A-related condition.

Allele frequency attached by ClinVar (database versions not stated): gnomAD exomes 0.00001.
gnomAD v4.1: 3 of 1,613,842 alleles (0.00019%); highest among the groups gnomAD compares: Non-Finnish European, 0.00025%; no homozygotes.

Submissions (6):

First Genomix Gene Laboratory, Genetic Diagnostics Department
Classification: Pathogenic for Autosomal recessive nonsyndromic hearing loss 3. Last evaluated: 2025-09-03. Review status: criteria provided, single submitter. Criteria: ACMG Guidelines, 2015. Collection method: clinical testing. Allele origin: germline. Inheritance: Autosomal recessive inheritance. Affected: no. Observed: 1 variant allele.

CeGaT Center for Human Genetics Tuebingen
Classification: Pathogenic. Last evaluated: 2025-03-01. Review status: criteria provided, single submitter. Criteria: CeGaT Center For Human Genetics Tuebingen Variant Classification Criteria Version 2. Collection method: clinical testing. Allele origin: germline. Affected: yes. Observed: 1 variant allele.
Comment: MYO15A: PVS1, PM2, PM3:Supporting

Labcorp Genetics (formerly Invitae), Labcorp
Classification: Pathogenic. Last evaluated: 2023-09-03. Review status: criteria provided, single submitter. Criteria: Invitae Variant Classification Sherloc (09022015). Collection method: clinical testing. Allele origin: germline.
Comment: For these reasons, this variant has been classified as Pathogenic. ClinVar contains an entry for this variant (Variation ID: 599164). This variant has not been reported in the literature in individuals affected with MYO15A-related conditions. This variant is not present in population databases (gnomAD no frequency). This sequence change creates a premature translational stop signal (p.Trp2213*) in the MYO15A gene. It is expected to result in an absent or disrupted protein product. Loss-of-function variants in MYO15A are known to be pathogenic (PMID: 17546645).

Department of Human Genetics, Hannover Medical School
Classification: Likely pathogenic for Autosomal recessive nonsyndromic hearing loss 3. Last evaluated: 2022-01-04. Review status: criteria provided, single submitter. Criteria: ACMG Guidelines, 2015. Collection method: clinical testing. Allele origin: germline. Inheritance: Autosomal recessive inheritance. Affected: yes.

PreventionGenetics, part of Exact Sciences
Classification: Pathogenic for MYO15A-related condition. Last evaluated: 2024-01-18. Review status: no assertion criteria provided. Collection method: clinical testing. Allele origin: germline. Not counted in ClinVar's aggregate classification.
Comment: The MYO15A c.6638G>A variant is predicted to result in premature protein termination (p.Trp2213*). This variant was reported in the heterozygous state along with a second potentially causative variant in an individual with profound hearing loss (Table S6, Wu et al. 2022. PubMed ID: 35982127). This variant has not been reported in a large population database, indicating this variant is rare. Nonsense variants in MYO15A are expected to be pathogenic. This variant is interpreted as pathogenic.

Bioscientia Institut fuer Medizinische Diagnostik GmbH, Sonic Healthcare
Classification: Pathogenic for Autosomal recessive nonsyndromic hearing loss 3. Last evaluated: 2018-08-31. Review status: no assertion criteria provided. Collection method: clinical testing. Allele origin: germline. Affected: yes. Not counted in ClinVar's aggregate classification.

Literature cited by the submitters: PubMed 17546645 (cited by Labcorp Genetics (formerly Invitae), Labcorp).